The following is an entry in ClinVar:

NM_020843.4(SCAPER):c.435A>T (p.Lys145Asn)

Gene: SCAPER (S-phase cyclin A associated protein in the ER; minus strand). Cytogenetic location: 15q24.3.
Variant type: single nucleotide variant.
Coding change: c.435A>T on transcript NM_020843.4 (MANE Select); coding-DNA position 435, A replaced by T.
Protein change: p.Lys145Asn; replaces lysine 145 with asparagine.
Molecular consequence: missense variant. On other transcripts: 5 prime UTR variant (1), non-coding transcript variant (1).
Genome position (GRCh38, 1-based): chr15:76,804,592, T>A on the plus strand (A>T on the coding strand, the complement: SCAPER is on the minus strand). VCF-style: chr15-76804592-T-A. GRCh37 (hg19) VCF-style: chr15-77096933-T-A.
Other names: c.-463A>T (NM_001145923.2); c.435A>T, p.Lys145Asn (NM_001353009.2); c.33A>T, p.Lys11Asn (NM_001353010.2, NM_001353011.2, NM_001353012.2); short protein forms K11N, K145N.
Identifiers: ClinVar variation 4998273 (VCV004998273.1).

ClinVar aggregate classification (germline): Uncertain significance (1 of 4 stars; one submission).

Conditions:
SCAPER-related disorder. Also called: SCAPER-related condition.

gnomAD v4.1: 7 of 1,611,654 alleles (0.00043%); highest among the groups gnomAD compares: African/African-American, 0.0093%; no homozygotes.

Submission:

PreventionGenetics, part of Exact Sciences
Classification: Uncertain significance for SCAPER-related condition. Last evaluated: 2025-07-09. Review status: criteria provided, single submitter. Criteria: ACMG Guidelines, 2015. Collection method: clinical testing. Allele origin: germline.
Comment: The SCAPER c.435A>T variant is predicted to result in the amino acid substitution p.Lys145Asn. To our knowledge, this variant has not been reported in the literature. This variant is reported in 0.012% of alleles in individuals of African descent in gnomAD. At this time, the clinical significance of this variant is uncertain due to the absence of conclusive functional and genetic evidence.